The following continues an entry in ClinVar:

NM_000492.4(CFTR):c.1210-11T>G

ClinVar aggregate classification (germline): Pathogenic/Likely pathogenic; other. Pathogenic (20); Likely pathogenic (6).

Submissions 27 to 41 of 41:

Kariminejad - Najmabadi Pathology & Genetics Center
Classification: Likely pathogenic for Cystic fibrosis. Review status: criteria provided, single submitter. Criteria: ACMG Guidelines, 2015. Collection method: clinical testing. Allele origin: germline. Affected: no.

Dr. Peter K. Rogan Lab, Western University
No classification provided (evidence only). Condition: Lung cancer. Review status: no classification provided. Collection method: in vitro. Allele origin: not applicable. Functional consequence: skipped exon. Not counted in ClinVar's aggregate classification.

Dr. Peter K. Rogan Lab, Western University
No classification provided (evidence only). Condition: Lung cancer. Review status: no classification provided. Collection method: in vitro. Allele origin: not applicable. Functional consequence: skipped exon. Not counted in ClinVar's aggregate classification.

Dr. Peter K. Rogan Lab, Western University
No classification provided (evidence only). Condition: Familial cancer of breast. Review status: no classification provided. Collection method: in vitro. Allele origin: not applicable. Functional consequence: retained intron. Not counted in ClinVar's aggregate classification.

Dr. Peter K. Rogan Lab, Western University
No classification provided (evidence only). Condition: Uterine corpus endometrial carcinoma. Review status: no classification provided. Collection method: in vitro. Allele origin: not applicable. Functional consequence: skipped exon. Not counted in ClinVar's aggregate classification.

Dr. Peter K. Rogan Lab, Western University
No classification provided (evidence only). Condition: Cervical cancer. Review status: no classification provided. Collection method: in vitro. Allele origin: not applicable. Functional consequence: retained intron. Not counted in ClinVar's aggregate classification.

Dr. Peter K. Rogan Lab, Western University
No classification provided (evidence only). Condition: Sarcoma. Review status: no classification provided. Collection method: in vitro. Allele origin: not applicable. Functional consequence: retained intron. Not counted in ClinVar's aggregate classification.

Dr. Peter K. Rogan Lab, Western University
No classification provided (evidence only). Condition: Malignant lymphoma, large B-cell, diffuse. Review status: no classification provided. Collection method: in vitro. Allele origin: not applicable. Functional consequence: retained intron. Not counted in ClinVar's aggregate classification.

Dr. Peter K. Rogan Lab, Western University
No classification provided (evidence only). Condition: Cholangiocarcinoma. Review status: no classification provided. Collection method: in vitro. Allele origin: not applicable. Functional consequence: skipped exon, retained intron. Not counted in ClinVar's aggregate classification.

Dr. Peter K. Rogan Lab, Western University
No classification provided (evidence only). Condition: Malignant tumor of esophagus. Review status: no classification provided. Collection method: in vitro. Allele origin: not applicable. Functional consequence: skipped exon. Not counted in ClinVar's aggregate classification.

Dr. Peter K. Rogan Lab, Western University
No classification provided (evidence only). Condition: Malignant tumor of esophagus. Review status: no classification provided. Collection method: in vitro. Allele origin: not applicable. Functional consequence: skipped exon, retained intron. Not counted in ClinVar's aggregate classification.

Dr. Peter K. Rogan Lab, Western University
No classification provided (evidence only). Condition: Nonpapillary renal cell carcinoma. Review status: no classification provided. Collection method: in vitro. Allele origin: not applicable. Functional consequence: skipped exon. Not counted in ClinVar's aggregate classification.

Dr. Peter K. Rogan Lab, Western University
No classification provided (evidence only). Condition: Familial pancreatic carcinoma. Review status: no classification provided. Collection method: in vitro. Allele origin: not applicable. Functional consequence: skipped exon, retained intron. Not counted in ClinVar's aggregate classification.

Dr. Peter K. Rogan Lab, Western University
No classification provided (evidence only). Condition: Familial pancreatic carcinoma. Review status: no classification provided. Collection method: in vitro. Allele origin: not applicable. Functional consequence: skipped exon, retained intron. Not counted in ClinVar's aggregate classification.

Suma Genomics
Classification: Uncertain significance for Cystic fibrosis. Review status: flagged submission. Criteria: ACMG Guidelines, 2015. Collection method: clinical testing. Allele origin: inherited. Inheritance: Autosomal recessive inheritance. Affected: yes. Not counted in ClinVar's aggregate classification.
ClinVar note: Reason: Outlier claim with insufficient supporting evidence

Literature cited by the submitters: PubMed 11069835 (cited by Department of Molecular Genetics, Istishari Arab Hospital and Laboratory for Molecular Medicine, Mass General Brigham Personalized Medicine); PubMed 1381723 (cited by Department of Molecular Genetics, Istishari Arab Hospital and Laboratory for Molecular Medicine, Mass General Brigham Personalized Medicine); PubMed 14685937 (cited by 6 submitters); PubMed 16020494 (cited by Department of Molecular Genetics, Istishari Arab Hospital and Laboratory for Molecular Medicine, Mass General Brigham Personalized Medicine); PubMed 16263954 (cited by Department of Molecular Genetics, Istishari Arab Hospital and Laboratory for Molecular Medicine, Mass General Brigham Personalized Medicine); PubMed 17314234 (cited by Department of Molecular Genetics, Istishari Arab Hospital and Laboratory for Molecular Medicine, Mass General Brigham Personalized Medicine); PubMed 7506096 (cited by Department of Molecular Genetics, Istishari Arab Hospital and Laboratory for Molecular Medicine, Mass General Brigham Personalized Medicine); PubMed 7684646 (cited by 3 submitters); PubMed 7739684 (cited by Department of Molecular Genetics, Istishari Arab Hospital and Laboratory for Molecular Medicine, Mass General Brigham Personalized Medicine); PubMed 9435322 (cited by 6 submitters); PubMed 10556281 (cited by 3 submitters); PubMed 21658649 (cited by 4 submitters); PubMed 27469177 (cited by 3 submitters); PubMed 25383785 (cited by 3billion and Ambry Genetics); PubMed 28152038 (cited by 3 submitters); PubMed 27447098 (cited by Variantyx, Inc. and Labcorp Genetics (formerly Invitae), Labcorp); PubMed 16778595 (cited by Variantyx, Inc. and Women's Health and Genetics/Laboratory Corporation of America, LabCorp); PubMed 7691356 (cited by Variantyx, Inc. and Labcorp Genetics (formerly Invitae), Labcorp); PubMed 7684641 (cited by Variantyx, Inc. and Labcorp Genetics (formerly Invitae), Labcorp); PubMed 29997923 (cited by Medical Genetics Center, Maternal and Child Health Hospital of Hubei Province and AiLife Diagnostics); PubMed 31180159 (cited by Medical Genetics Center, Maternal and Child Health Hospital of Hubei Province and AiLife Diagnostics); PubMed 34426522 (cited by Medical Genetics Center, Maternal and Child Health Hospital of Hubei Province); PubMed 34782259 (cited by Medical Genetics Center, Maternal and Child Health Hospital of Hubei Province); PubMed 17234733 (cited by Ambry Genetics); PubMed 23951356 (cited by Ambry Genetics); PubMed 19092437 (cited by Women's Health and Genetics/Laboratory Corporation of America, LabCorp); PubMed 11354633 (cited by Women's Health and Genetics/Laboratory Corporation of America, LabCorp); PubMed 17329263 (cited by Women's Health and Genetics/Laboratory Corporation of America, LabCorp); PubMed 15905293 (cited by Women's Health and Genetics/Laboratory Corporation of America, LabCorp); PubMed 17489851 (cited by Women's Health and Genetics/Laboratory Corporation of America, LabCorp); PubMed 11729110 (cited by Women's Health and Genetics/Laboratory Corporation of America, LabCorp); PubMed 20691141 (cited by Women's Health and Genetics/Laboratory Corporation of America, LabCorp); PubMed 18456578 (cited by Women's Health and Genetics/Laboratory Corporation of America, LabCorp); PubMed 21520337 (cited by Women's Health and Genetics/Laboratory Corporation of America, LabCorp); PubMed 14993601 (cited by Women's Health and Genetics/Laboratory Corporation of America, LabCorp); PubMed 16840743 (cited by Women's Health and Genetics/Laboratory Corporation of America, LabCorp); PubMed 18685558 (cited by Women's Health and Genetics/Laboratory Corporation of America, LabCorp); PubMed 23810505 (cited by Women's Health and Genetics/Laboratory Corporation of America, LabCorp); PubMed 22842702 (cited by Women's Health and Genetics/Laboratory Corporation of America, LabCorp); PubMed 25251442 (cited by Women's Health and Genetics/Laboratory Corporation of America, LabCorp); PubMed 10668931 (cited by Women's Health and Genetics/Laboratory Corporation of America, LabCorp); PubMed 18567645 (cited by Women's Health and Genetics/Laboratory Corporation of America, LabCorp); PubMed 34196078 (cited by Labcorp Genetics (formerly Invitae), Labcorp).